The following is an entry in ClinVar:

ClinVar aggregate classification (germline): Uncertain significance (1 of 4 stars; one submission).

gnomAD v4.1: 1 of 1,614,200 alleles (0.000062%); highest among the groups gnomAD compares: South Asian, 0.0011%; no homozygotes.

Submission:

Ambry Genetics
Classification: Uncertain significance. Last evaluated: 2026-05-30. Review status: criteria provided, single submitter. Criteria: Ambry Variant Classification Scheme 2023. Collection method: clinical testing. Allele origin: germline.
Comment: The p.M595L variant (also known as c.1783A>T), located in coding exon 12 of the RINT1 gene, results from an A to T substitution at nucleotide position 1783. The methionine at codon 595 is replaced by leucine, an amino acid with highly similar properties. This amino acid position is conserved. In addition, this alteration is predicted to be tolerated by in silico analysis. Based on the available evidence, the clinical significance of this variant remains unclear.

NM_021930.6(RINT1):c.1783A>T (p.Met595Leu)

Gene: RINT1 (RAD50 interactor 1; plus strand). Cytogenetic location: 7q22.3.
Variant type: single nucleotide variant.
Coding change: c.1783A>T on transcript NM_021930.6 (MANE Select); coding-DNA position 1783, A replaced by T.
Protein change: p.Met595Leu; replaces methionine 595 with leucine.
Molecular consequence: missense variant. On other transcripts: non-coding transcript variant (1).
Genome position (GRCh38, 1-based): chr7:105,563,844, A>T. VCF-style: chr7-105563844-A-T. GRCh37 (hg19) VCF-style: chr7-105204291-A-T.
Other names: c.1549A>T, p.Met517Leu (NM_001346599.2); c.760A>T, p.Met254Leu (NM_001346600.2, NM_001346603.2); c.859A>T, p.Met287Leu (NM_001346601.2); short protein forms M254L, M287L, M517L, M595L.
Identifiers: ClinVar variation 4863347 (VCV004863347.1).